The following is an entry in ClinVar:

NM_014865.4(NCAPD2):c.3065G>A (p.Cys1022Tyr)

Gene: NCAPD2 (non-SMC condensin I complex subunit D2; plus strand). Cytogenetic location: 12p13.31.
Variant type: single nucleotide variant.
Coding change: c.3065G>A on transcript NM_014865.4 (MANE Select); coding-DNA position 3065, G replaced by A.
Protein change: p.Cys1022Tyr; replaces cysteine 1022 with tyrosine.
Molecular consequence: missense variant.
Genome position (GRCh38, 1-based): chr12:6,528,013, G>A. VCF-style: chr12-6528013-G-A. GRCh37 (hg19) VCF-style: chr12-6637179-G-A.
Other names: short protein forms C1022Y.
Identifiers: ClinVar variation 3371370 (VCV003371370.1).

ClinVar aggregate classification (germline): Uncertain significance (1 of 4 stars; one submission).

gnomAD v4.1: 1 of 1,614,236 alleles (0.000062%); highest among the groups gnomAD compares: Non-Finnish European, 0.000085%; no homozygotes.

Submission:

GeneDx
Classification: Uncertain significance. Last evaluated: 2024-03-21. Review status: criteria provided, single submitter. Criteria: GeneDx Variant Classification Process June 2021. Collection method: clinical testing. Allele origin: germline. Affected: yes.
Comment: Not observed at significant frequency in large population cohorts (gnomAD); In silico analysis supports that this missense variant has a deleterious effect on protein structure/function; Has not been previously published as pathogenic or benign to our knowledge